The following is an entry in ClinVar:

ClinVar aggregate classification (germline): Uncertain significance (1 of 4 stars; one submission).

Allele frequency attached by ClinVar (database versions not stated): ExAC 0.00001; TOPMed 0.00019.
gnomAD v4.1: 39 of 1,613,886 alleles (0.0024%); highest among the groups gnomAD compares: Admixed American, 0.0067%; no homozygotes.

Submission:

Labcorp Genetics (formerly Invitae), Labcorp
Classification: Uncertain significance. Last evaluated: 2024-04-12. Review status: criteria provided, single submitter. Criteria: Invitae Variant Classification Sherloc (09022015). Collection method: clinical testing. Allele origin: germline.
Comment: This sequence change replaces glutamic acid, which is acidic and polar, with lysine, which is basic and polar, at codon 1199 of the ERBB4 protein (p.Glu1199Lys). This variant is present in population databases (rs780519461, gnomAD 0.01%). This variant has not been reported in the literature in individuals affected with ERBB4-related conditions. ClinVar contains an entry for this variant (Variation ID: 2061014). An algorithm developed to predict the effect of missense changes on protein structure and function (PolyPhen-2) suggests that this variant is likely to be tolerated. In summary, the available evidence is currently insufficient to determine the role of this variant in disease. Therefore, it has been classified as a Variant of Uncertain Significance.

NM_005235.3(ERBB4):c.3595G>A (p.Glu1199Lys)

Gene: ERBB4 (erb-b2 receptor tyrosine kinase 4; minus strand). Cytogenetic location: 2q34.
Variant type: single nucleotide variant.
Coding change: c.3595G>A on transcript NM_005235.3 (MANE Select); coding-DNA position 3595, G replaced by A.
Protein change: p.Glu1199Lys; replaces glutamic acid 1199 with lysine.
Molecular consequence: missense variant.
Genome position (GRCh38, 1-based): chr2:211,383,947, C>T on the plus strand (G>A on the coding strand, the complement: ERBB4 is on the minus strand). VCF-style: chr2-211383947-C-T. GRCh37 (hg19) VCF-style: chr2-212248672-C-T.
Other names: c.3547G>A, p.Glu1183Lys (NM_001042599.2); short protein forms E1183K, E1199K.
Identifiers: ClinVar variation 2061014 (VCV002061014.4), dbSNP rs780519461, ClinGen allele CA2087395.
Genomic context (GRCh38, chr2:211,383,947, plus strand): 5'-CTTTTCCCAAGGTGTTGGCAAAGGTGTTGAGGTACAGTGGCTCATTCACATACTCATCCT[C>T]GGCCTTGGGTGGACCATTGGATGCATTGTGATATTCGGGATTATCCAATGCTTGAAGGTC-3'
Protein context (NP_005226.1, residues 1189-1209): HNASNGPPKA[Glu1199Lys]DEYVNEPLYL